The following is an entry in ClinVar:

ClinVar aggregate classification (germline): Likely benign. Review status: criteria provided, single submitter (1 of 4 stars). 2 submissions from 2 submitters: Likely benign (1). 1 of the submissions does not count toward it. Last evaluated 2021-08-15.

Conditions:
LAMA2-related muscular dystrophy (LAMA2-RD). Also called: Laminin alpha 2-related dystrophy. Identifiers: MedGen C5679788, MONDO:0100228.
LAMA2-related disorder. Also called: LAMA2-related disorders; LAMA2-related condition.

Submissions (2):

Labcorp Genetics (formerly Invitae), Labcorp
Classification: Likely benign for LAMA2-related muscular dystrophy. Last evaluated: 2021-08-15. Review status: criteria provided, single submitter. Criteria: Invitae Variant Classification Sherloc (09022015). Collection method: clinical testing. Allele origin: germline.

PreventionGenetics, part of Exact Sciences
Classification: Likely benign for LAMA2-related condition. Last evaluated: 2022-01-25. Review status: no assertion criteria provided. Collection method: clinical testing. Allele origin: germline. Not counted in ClinVar's aggregate classification.
Comment: This variant is classified as likely benign based on ACMG/AMP sequence variant interpretation guidelines (Richards et al. 2015 PMID: 25741868, with internal and published modifications).

NM_000426.4(LAMA2):c.9318C>G (p.Ala3106=)

Gene: LAMA2 (laminin subunit alpha 2; plus strand). Cytogenetic location: 6q22.33.
Variant type: single nucleotide variant.
Coding change: c.9318C>G on transcript NM_000426.4 (MANE Select); coding-DNA position 9318, C replaced by G.
Protein change: p.Ala3106=; no amino-acid change (alanine 3106 retained).
Molecular consequence: synonymous variant.
Genome position (GRCh38, 1-based): chr6:129,516,296, C>G. VCF-style: chr6-129516296-C-G. GRCh37 (hg19) VCF-style: chr6-129837441-C-G.
Other names: c.9306C>G, p.Ala3102= (NM_001079823.2); c.9318C>G (NM_000426.3).
Identifiers: ClinVar variation 1665205 (VCV001665205.10), dbSNP rs1342516974, ClinGen allele CA451936556.